The following is an entry in ClinVar:

NM_003482.4(KMT2D):c.10803_10820dup (p.Gln3612_His3613insGlnGlnGlnGlnGlnGln)

Gene: KMT2D (lysine methyltransferase 2D; minus strand). Cytogenetic location: 12q13.12.
Variant type: Duplication.
Coding change: c.10803_10820dup on transcript NM_003482.4 (MANE Select); coding-DNA positions 10803 to 10820, 18 bases duplicated (ACAACAGCAGCAGCAGCA).
Protein change: p.Gln3612_His3613insGlnGlnGlnGlnGlnGln.
Molecular consequence: inframe insertion.
Genome position (GRCh38, 1-based): chr12:49,033,885-49,033,902, TGCTGCTGCTGCTGTTGT duplicated on the plus strand (ACAACAGCAGCAGCAGCA on the coding strand, the reverse complement: KMT2D is on the minus strand); duplicating any 18 consecutive bases within chr12:49,033,885-49,033,912 gives the same sequence; the c. name uses the placement nearest the transcript's 3' end. VCF-style (leftmost placement, unchanged base first): chr12-49033884-C-CTGCTGCTGCTGCTGTTGT. GRCh37 (hg19) VCF-style: chr12-49427667-C-CTGCTGCTGCTGCTGTTGT.
Identifiers: ClinVar variation 2043783 (VCV002043783.4), dbSNP rs776638703, ClinGen allele CA6546426.

ClinVar aggregate classification (germline): Uncertain significance (1 of 4 stars; one submission).

Conditions:
Kabuki syndrome. Also called: NIIKAWA-KUROKI SYNDROME; Kabuki make-up syndrome. Identifiers: Orphanet 2322, MedGen C0796004, MONDO:0016512.

Submission:

Labcorp Genetics (formerly Invitae), Labcorp
Classification: Uncertain significance for Kabuki syndrome. Last evaluated: 2025-01-06. Review status: criteria provided, single submitter. Criteria: Invitae Variant Classification Sherloc (09022015). Collection method: clinical testing. Allele origin: germline.
Comment: This variant, c.10803_10820dup, results in the insertion of 6 amino acid(s) of the KMT2D protein (p.Gln3607_Gln3612dup), but otherwise preserves the integrity of the reading frame. The frequency data for this variant in the population databases is considered unreliable, as metrics indicate poor data quality at this position in the gnomAD database. This variant has not been reported in the literature in individuals affected with KMT2D-related conditions. ClinVar contains an entry for this variant (Variation ID: 2043783). In summary, the available evidence is currently insufficient to determine the role of this variant in disease. Therefore, it has been classified as a Variant of Uncertain Significance.